The following is an entry in ClinVar:

ClinVar aggregate classification (germline): Uncertain significance. Review status: criteria provided, multiple submitters, no conflicts (2 of 4 stars). 2 submissions from 2 submitters: Uncertain significance (2). Last evaluated 2025-10-29.

Conditions:
Neuroblastoma, susceptibility to, 3. Also called: ALK-Related Neuroblastic Tumor Susceptibility. Identifiers: Orphanet 635, MedGen C2751681, MONDO:0013083, OMIM 613014.
Hereditary cancer-predisposing syndrome. Also called: Neoplastic Syndromes, Hereditary; Hereditary Cancer Syndrome; Hereditary neoplastic syndrome; Tumor predisposition. Identifiers: Orphanet 140162, MedGen C0027672, MeSH D009386, MONDO:0015356.

Allele frequency attached by ClinVar (database versions not stated): gnomAD exomes below 0.00001.
gnomAD v4.1: 2 of 1,611,550 alleles (0.00012%); highest among the groups gnomAD compares: Non-Finnish European, 0.00017%; no homozygotes.

Submissions (2):

Labcorp Genetics (formerly Invitae), Labcorp
Classification: Uncertain significance for Neuroblastoma, susceptibility to, 3. Last evaluated: 2025-10-29. Review status: criteria provided, single submitter. Criteria: Invitae Variant Classification Sherloc (09022015). Collection method: clinical testing. Allele origin: germline.
Comment: This sequence change replaces serine, which is neutral and polar, with arginine, which is basic and polar, at codon 45 of the ALK protein (p.Ser45Arg). This variant is not present in population databases (gnomAD no frequency). This variant has not been reported in the literature in individuals affected with ALK-related conditions. ClinVar contains an entry for this variant (Variation ID: 850265). An algorithm developed to predict the effect of missense changes on protein structure and function (PolyPhen-2) suggests that this variant is likely to be disruptive. In summary, the available evidence is currently insufficient to determine the role of this variant in disease. Therefore, it has been classified as a Variant of Uncertain Significance.

Ambry Genetics
Classification: Uncertain significance for Hereditary cancer-predisposing syndrome. Last evaluated: 2025-09-28. Review status: criteria provided, single submitter. Criteria: Ambry Variant Classification Scheme 2023. Collection method: clinical testing. Allele origin: germline.
Comment: The p.S45R variant (also known as c.135C>A), located in coding exon 1 of the ALK gene, results from a C to A substitution at nucleotide position 135. The serine at codon 45 is replaced by arginine, an amino acid with dissimilar properties. This amino acid position is conserved. In addition, the in silico prediction for this alteration is inconclusive. Since supporting evidence is limited at this time, the clinical significance of this alteration remains unclear.

NM_004304.5(ALK):c.135C>A (p.Ser45Arg)

Gene: ALK (ALK receptor tyrosine kinase; minus strand). Cytogenetic location: 2p23.1.
Variant type: single nucleotide variant.
Coding change: c.135C>A on transcript NM_004304.5 (MANE Select); coding-DNA position 135, C replaced by A.
Protein change: p.Ser45Arg; replaces serine 45 with arginine.
Molecular consequence: missense variant.
Genome position (GRCh38, 1-based): chr2:29,920,525, G>T on the plus strand (C>A on the coding strand, the complement: ALK is on the minus strand). VCF-style: chr2-29920525-G-T. GRCh37 (hg19) VCF-style: chr2-30143391-G-T.
Other names: short protein forms S45R.
Identifiers: ClinVar variation 850265 (VCV000850265.11), dbSNP rs1667966785, ClinGen allele CA346590632.
Genomic context (GRCh38, chr2:29,920,525, plus strand): 5'-ACGGAAGAGCGAGGGCACCACGAAGTCAACTGCCAGACTCTTCCTCTGCAGGCGCGAGTA[G>T]CTGAGTGGCTCCCGGGGCTGCAGCGGCGGCCCCGCAGCTGGGGAGCCCGCGCGCTGGCCG-3'
Protein context (NP_004295.2, residues 35-55): GPPLQPREPL[Ser45Arg]YSRLQRKSLA